The following is an entry in ClinVar:

NM_003919.3(SGCE):c.662+6C>T

Genes: CASD1 (CAS1 domain sialic acid O acetyltransferase 1; plus strand), SGCE (sarcoglycan epsilon; minus strand). Cytogenetic location: 7q21.3.
Variant type: single nucleotide variant.
Coding change: c.662+6C>T on transcript NM_003919.3 (MANE Select); 6 bases into the intron after coding-DNA position 662, C replaced by T.
Molecular consequence: intron variant.
Genome position (GRCh38, 1-based): chr7:94,618,752, G>A on the plus strand (C>T on the coding strand, the complement: SGCE is on the minus strand). VCF-style: chr7-94618752-G-A. GRCh37 (hg19) VCF-style: chr7-94248064-G-A.
Other names: c.539+6C>T (NM_001362809.2, NM_001301139.2); c.662+6C>T (NM_001346717.2, NM_001099400.2, NM_001099401.2); c.770+6C>T (NM_001346715.2, NM_001346713.2); c.575+6C>T (NM_001362807.2, NM_001346719.2); c.389+6C>T (NM_001362808.2, NM_001346720.2).
Identifiers: ClinVar variation 1057904 (VCV001057904.7), dbSNP rs761449603, ClinGen allele CA4348755.

ClinVar aggregate classification (germline): Uncertain significance (1 of 4 stars; one submission).

Conditions:
Myoclonic dystonia 11 (DYT11). Also called: DYT-SGCE; Myoclonic dystonia; Dystonia 11; Dystonia, alcohol responsive; Hereditary essential myoclonus; SGCE Myoclonus-Dystonia. Identifiers: Orphanet 36899, MedGen C1834570, MONDO:0008044, OMIM 159900.

Allele frequency attached by ClinVar (database versions not stated): gnomAD exomes below 0.00001 and 0.00003; TOPMed 0.00001; ExAC 0.00002.
gnomAD v4.1: 6 of 1,610,434 alleles (0.00037%); highest among the groups gnomAD compares: Admixed American, 0.01%; no homozygotes.

Submission:

Labcorp Genetics (formerly Invitae), Labcorp
Classification: Uncertain significance for Myoclonic dystonia 11. Last evaluated: 2023-11-08. Review status: criteria provided, single submitter. Criteria: Invitae Variant Classification Sherloc (09022015). Collection method: clinical testing. Allele origin: germline.
Comment: This sequence change falls in intron 5 of the SGCE gene. It does not directly change the encoded amino acid sequence of the SGCE protein. It affects a nucleotide within the consensus splice site. This variant is present in population databases (rs761449603, gnomAD 0.02%). This variant has not been reported in the literature in individuals affected with SGCE-related conditions. ClinVar contains an entry for this variant (Variation ID: 1057904). Variants that disrupt the consensus splice site are a relatively common cause of aberrant splicing (PMID: 17576681, 9536098). Algorithms developed to predict the effect of sequence changes on RNA splicing suggest that this variant is not likely to affect RNA splicing. In summary, the available evidence is currently insufficient to determine the role of this variant in disease. Therefore, it has been classified as a Variant of Uncertain Significance.

Literature cited by the submitters: PubMed 17576681; PubMed 9536098.